The following is an entry in ClinVar:

NM_000222.3(KIT):c.188T>C (p.Phe63Ser)

Gene: KIT (KIT proto-oncogene, receptor tyrosine kinase; plus strand). Cytogenetic location: 4q12.
Variant type: single nucleotide variant.
Coding change: c.188T>C on transcript NM_000222.3 (MANE Select); coding-DNA position 188, T replaced by C.
Protein change: p.Phe63Ser; replaces phenylalanine 63 with serine.
Molecular consequence: missense variant.
Genome position (GRCh38, 1-based): chr4:54,695,632, T>C. VCF-style: chr4-54695632-T-C. GRCh37 (hg19) VCF-style: chr4-55561798-T-C.
Other names: c.188T>C, p.Phe63Ser (NM_001093772.2, NM_001385284.1, NM_001385285.1 and 4 more transcripts); c.188T>C (NM_000222.2); short protein forms F63S.
Identifiers: ClinVar variation 1525284 (VCV001525284.11), dbSNP rs1349391161, ClinGen allele CA356897016.
Genomic context (GRCh38, chr4:54,695,632, plus strand): 5'-AATCAGACTTAATAGTCCGCGTGGGCGACGAGATTAGGCTGTTATGCACTGATCCGGGCT[T>C]TGTCAAATGGACTTTTGAGATCCTGGATGAAACGAATGAGAATAAGCAGAATGAATGGAT-3'
Protein context (NP_000213.1, residues 53-73): EIRLLCTDPG[Phe63Ser]VKWTFEILDE

ClinVar aggregate classification (germline): Uncertain significance. Review status: criteria provided, multiple submitters, no conflicts (2 of 4 stars). 3 submissions from 3 submitters: Uncertain significance (2). 1 of the submissions does not count toward it. Last evaluated 2024-11-03.

Conditions:
Hereditary cancer-predisposing syndrome. Also called: Tumor predisposition; Neoplastic Syndromes, Hereditary; Hereditary Cancer Syndrome; Hereditary neoplastic syndrome. Identifiers: Orphanet 140162, MedGen C0027672, MeSH D009386, MONDO:0015356.
Gastrointestinal stromal tumor. Also called: Gastrointestinal stromal tumor, somatic; Gastrointestinal stroma tumor. Identifiers: Orphanet 44890, MedGen C0238198, MeSH D046152, MONDO:0011719, OMIM 606764, HP:0100723.
KIT-related disorder. Also called: KIT-related condition.

Allele frequency attached by ClinVar (database versions not stated): gnomAD exomes below 0.00001.
gnomAD v4.1: 1 of 1,614,250 alleles (0.000062%); highest among the groups gnomAD compares: East Asian, 0.0022%; no homozygotes.

Submissions (3):

Ambry Genetics
Classification: Uncertain significance for Hereditary cancer-predisposing syndrome. Last evaluated: 2024-11-03. Review status: criteria provided, single submitter. Criteria: Ambry Variant Classification Scheme 2023. Collection method: clinical testing. Allele origin: germline.
Comment: The p.F63S variant (also known as c.188T>C), located in coding exon 2 of the KIT gene, results from a T to C substitution at nucleotide position 188. The phenylalanine at codon 63 is replaced by serine, an amino acid with highly dissimilar properties. This amino acid position is conserved. In addition, this alteration is predicted to be tolerated by in silico analysis. Based on the available evidence, the clinical significance of this variant remains unclear.

Labcorp Genetics (formerly Invitae), Labcorp
Classification: Uncertain significance for Gastrointestinal stromal tumor. Last evaluated: 2021-03-07. Review status: criteria provided, single submitter. Criteria: Invitae Variant Classification Sherloc (09022015). Collection method: clinical testing. Allele origin: germline.
Comment: This sequence change replaces phenylalanine with serine at codon 63 of the KIT protein (p.Phe63Ser). The phenylalanine residue is moderately conserved and there is a large physicochemical difference between phenylalanine and serine. This variant is not present in population databases (ExAC no frequency). This variant has not been reported in the literature in individuals with KIT-related conditions. Algorithms developed to predict the effect of missense changes on protein structure and function output the following: SIFT: "Tolerated"; PolyPhen-2: "Benign"; Align-GVGD: "Class C0". The serine amino acid residue is found in multiple mammalian species, suggesting that this missense change does not adversely affect protein function. These predictions have not been confirmed by published functional studies and their clinical significance is uncertain. In summary, the available evidence is currently insufficient to determine the role of this variant in disease. Therefore, it has been classified as a Variant of Uncertain Significance.

PreventionGenetics, part of Exact Sciences
Classification: Uncertain significance for KIT-related condition. Last evaluated: 2023-10-18. Review status: no assertion criteria provided. Collection method: clinical testing. Allele origin: germline. Not counted in ClinVar's aggregate classification.
Comment: The KIT c.188T>C variant is predicted to result in the amino acid substitution p.Phe63Ser. To our knowledge, this variant has not been reported in the literature. This variant is reported in 0.0054% of alleles in individuals of East Asian descent in gnomAD and has been interpreted as uncertain in ClinVar. At this time, the clinical significance of this variant is uncertain due to the absence of conclusive functional and genetic evidence.